The following is an entry in ClinVar:

ClinVar aggregate classification (germline): Uncertain significance (1 of 4 stars; one submission).

Conditions:
Spinocerebellar ataxia type 41. Identifiers: Orphanet 458798, MedGen C4225158, MONDO:0014626, OMIM 616410.

Submission:

Dasa
Classification: Uncertain significance for Spinocerebellar ataxia type 41. Last evaluated: 2025-08-04. Review status: criteria provided, single submitter. Criteria: DASA Assertion Criteria. Collection method: clinical testing. Allele origin: germline.
Comment: NM_001130698.2(TRPC3):c.689T>C (p.Phe230Ser) is a missense variant that results in the substitution of phenylalanine with serine. This variant is absent from population databases. Computational prediction algorithms are consistent with a deleterious effect. The currently available literature and clinical evidence are not sufficient to establish a definitive association between this variant and the reported condition. Therefore, this variant is classified as a variant of uncertain significance.

NM_001130698.2(TRPC3):c.689T>C (p.Phe230Ser)

Gene: TRPC3 (transient receptor potential cation channel subfamily C member 3; minus strand). Cytogenetic location: 4q27.
Variant type: single nucleotide variant.
Coding change: c.689T>C on transcript NM_001130698.2 (MANE Select); coding-DNA position 689, T replaced by C.
Protein change: p.Phe230Ser; replaces phenylalanine 230 with serine.
Molecular consequence: missense variant.
Genome position (GRCh38, 1-based): chr4:121,932,569, A>G on the plus strand (T>C on the coding strand, the complement: TRPC3 is on the minus strand). VCF-style: chr4-121932569-A-G. GRCh37 (hg19) VCF-style: chr4-122853724-A-G.
Other names: c.689T>C, p.Phe230Ser (NM_001366479.2); c.470T>C, p.Phe157Ser (NM_003305.2); short protein forms F157S, F230S.
Identifiers: ClinVar variation 4880941 (VCV004880941.2).